The following is an entry in ClinVar:

NM_000252.3(MTM1):c.935_936insACTGTCTC (p.His312fs)

Gene: MTM1 (myotubularin 1; plus strand). Cytogenetic location: Xq28.
Variant type: Insertion.
Coding change: c.935_936insACTGTCTC on transcript NM_000252.3 (MANE Select); coding-DNA positions 935 to 936, ACTGTCTC inserted.
Protein change: p.His312fs; shifts the reading frame from histidine 312.
Molecular consequence: frameshift variant.
Genome position: GRCh38 VCF-style: chrX-150649783-A-AACTGTCTC. GRCh37 (hg19) VCF-style: chrX-149818256-A-AACTGTCTC.
Other names: c.935_936insACTGTCTC, p.His312fs (NM_001376906.1, NM_001376908.1); c.824_825insACTGTCTC, p.His275fs (NM_001376907.1); short protein forms H275fs, H312fs.
Identifiers: ClinVar variation 1726228 (VCV001726228.2), dbSNP rs2522399404, ClinGen allele CA2580101626.

ClinVar aggregate classification (germline): Likely pathogenic (1 of 4 stars; one submission).

Conditions:
Severe X-linked myotubular myopathy (CNMX). Also called: MYOTUBULAR MYOPATHY 1; Myotubular myopathy, X-linked; X-linked centronuclear myopathy. Identifiers: Orphanet 596, MedGen C0410203, MONDO:0010683, OMIM 310400.

Submission:

Myriad Genetics, Inc.
Classification: Likely pathogenic for Severe X-linked myotubular myopathy. Last evaluated: 2022-05-28. Review status: criteria provided, single submitter. Criteria: Myriad Women's Health Autosomal Recessive and X-Linked Classification Criteria (2021). Collection method: clinical testing. Allele origin: unknown.
Comment: NM_000252.2(MTM1):c.935_936ins8(H312Qfs*13) is expected to be pathogenic in the context of X-linked myotubular myopathy. This variant is predicted to lead to an abnormal or absent protein product due to the creation of a premature termination codon in MTM1, a gene where loss-of-function variants are known to be pathogenic. Please note: this variant was assessed in the context of healthy population screening.